The following is an entry in ClinVar:

ClinVar aggregate classification (germline): Uncertain significance. Review status: criteria provided, multiple submitters, no conflicts (2 of 4 stars). 3 submissions from 3 submitters: Uncertain significance (3). Last evaluated 2025-10-10.

Conditions:
Hereditary cancer-predisposing syndrome. Also called: Neoplastic Syndromes, Hereditary; Tumor predisposition; Hereditary Cancer Syndrome; Hereditary neoplastic syndrome. Identifiers: Orphanet 140162, MedGen C0027672, MeSH D009386, MONDO:0015356.
Breast-ovarian cancer, familial, susceptibility to, 4. Identifiers: Orphanet 145, MedGen C3280345, MONDO:0013669, OMIM 614291.

Allele frequency attached by ClinVar (database versions not stated): TOPMed below 0.00001.

Submissions (3):

Ambry Genetics
Classification: Uncertain significance for Hereditary cancer-predisposing syndrome. Last evaluated: 2025-10-10. Review status: criteria provided, single submitter. Criteria: Ambry Variant Classification Scheme 2023. Collection method: clinical testing. Allele origin: germline.
Comment: The p.K235M variant (also known as c.704A>T), located in coding exon 8 of the RAD51D gene, results from an A to T substitution at nucleotide position 704. The lysine at codon 235 is replaced by methionine, an amino acid with similar properties. This variant was not reported in population based cohorts in the following databases: Database of Single Nucleotide Polymorphisms (dbSNP), NHLBI Exome Sequencing Project (ESP), and 1000 Genomes Project. In the ESP, this variant was not observed in 6503 samples (13006 alleles) with coverage at this position. To date, this alteration has been detected with an allele frequency of approximately 0.001% (greater than 175000 alleles tested) in our clinical cohort. This amino acid position is well conserved in available vertebrate species. In addition, this alteration is predicted to be deleterious by in silico analysis. Since supporting evidence is limited at this time, the clinical significance of this alteration remains unclear.

GeneDx
Classification: Uncertain significance. Last evaluated: 2024-10-22. Review status: criteria provided, single submitter. Criteria: GeneDx Variant Classification Process June 2021. Collection method: clinical testing. Allele origin: germline. Affected: yes.
Comment: Not observed at significant frequency in large population cohorts (gnomAD); In silico analysis supports that this missense variant has a deleterious effect on protein structure/function; Has not been previously published as pathogenic or benign to our knowledge; This variant is associated with the following publications: (PMID: 21111057, 14704354, 19327148)

Labcorp Genetics (formerly Invitae), Labcorp
Classification: Uncertain significance for Breast-ovarian cancer, familial, susceptibility to, 4. Last evaluated: 2024-01-30. Review status: criteria provided, single submitter. Criteria: Invitae Variant Classification Sherloc (09022015). Collection method: clinical testing. Allele origin: germline.
Comment: This sequence change replaces lysine, which is basic and polar, with methionine, which is neutral and non-polar, at codon 235 of the RAD51D protein (p.Lys235Met). This variant is not present in population databases (gnomAD no frequency). This variant has not been reported in the literature in individuals affected with RAD51D-related conditions. ClinVar contains an entry for this variant (Variation ID: 482194). Advanced modeling of protein sequence and biophysical properties (such as structural, functional, and spatial information, amino acid conservation, physicochemical variation, residue mobility, and thermodynamic stability) performed at Invitae indicates that this missense variant is not expected to disrupt RAD51D protein function with a negative predictive value of 80%. In summary, the available evidence is currently insufficient to determine the role of this variant in disease. Therefore, it has been classified as a Variant of Uncertain Significance.

NM_002878.4(RAD51D):c.704A>T (p.Lys235Met)

Genes: RAD51D (RAD51 paralog D; minus strand), RAD51L3-RFFL (RAD51L3-RFFL readthrough; minus strand). Cytogenetic location: 17q12.
Variant type: single nucleotide variant.
Coding change: c.704A>T on transcript NM_002878.4 (MANE Select); coding-DNA position 704, A replaced by T.
Protein change: p.Lys235Met; replaces lysine 235 with methionine.
Molecular consequence: missense variant. On other transcripts: non-coding transcript variant (3).
Genome position (GRCh38, 1-based): chr17:35,103,288, T>A on the plus strand (A>T on the coding strand, the complement: RAD51D is on the minus strand). VCF-style: chr17-35103288-T-A. GRCh37 (hg19) VCF-style: chr17-33430307-T-A.
Other names: c.764A>T, p.Lys255Met (NM_001142571.2); c.368A>T, p.Lys123Met (NM_133629.3); short protein forms K235M, K123M, K255M.
Identifiers: ClinVar variation 482194 (VCV000482194.14), dbSNP rs1040279995, ClinGen allele CA289994171.